The following is an entry in ClinVar:

NM_152564.5(VPS13B):c.4224+664A>G

Gene: VPS13B (vacuolar protein sorting 13 homolog B; plus strand). Cytogenetic location: 8q22.2.
Variant type: single nucleotide variant.
Coding change: c.4224+664A>G on transcript NM_152564.5 (MANE Select); 664 bases into the intron after coding-DNA position 4224, A replaced by G.
Molecular consequence: intron variant. On other transcripts: missense variant (1).
Genome position (GRCh38, 1-based): chr8:99,507,867, A>G. VCF-style: chr8-99507867-A-G. GRCh37 (hg19) VCF-style: chr8-100520095-A-G.
Other names: c.4255A>G, p.Ser1419Gly (NM_017890.5); short protein forms S1419G.
Identifiers: ClinVar variation 957759 (VCV000957759.8), dbSNP rs1821583064, ClinGen allele CA371870804.

ClinVar aggregate classification (germline): Uncertain significance (1 of 4 stars; one submission).

Conditions:
Cohen syndrome (COH1). Also called: Cutis verticis gyrata, retinitis pigmentosa, and sensorineural deafness; PEPPER SYNDROME. Identifiers: Orphanet 193, MedGen C0265223, MONDO:0008999, OMIM 216550.

Submission:

Labcorp Genetics (formerly Invitae), Labcorp
Classification: Uncertain significance for Cohen syndrome. Last evaluated: 2019-08-27. Review status: criteria provided, single submitter. Criteria: Invitae Variant Classification Sherloc (09022015). Collection method: clinical testing. Allele origin: germline.
Comment: This sequence change replaces serine with glycine at codon 1419 of the VPS13B protein (p.Ser1419Gly). The serine residue is weakly conserved and there is a small physicochemical difference between serine and glycine. In summary, the available evidence is currently insufficient to determine the role of this variant in disease. Therefore, it has been classified as a Variant of Uncertain Significance. Algorithms developed to predict the effect of missense changes on protein structure and function are either unavailable or do not agree on the potential impact of this missense change (SIFT: "Deleterious"; PolyPhen-2: "Benign"; Align-GVGD: "C0"). This variant has not been reported in the literature in individuals with VPS13B-related conditions. This variant is not present in population databases (ExAC no frequency).